The following is an entry in ClinVar:

NM_003793.4(CTSF):c.213+2T>A

Gene: CTSF (cathepsin F; minus strand). Cytogenetic location: 11q13.2.
Variant type: single nucleotide variant.
Coding change: c.213+2T>A on transcript NM_003793.4 (MANE Select); the canonical splice donor site of the intron after coding-DNA position 213, T replaced by A.
Molecular consequence: splice donor variant.
Genome position (GRCh38, 1-based): chr11:66,568,272, A>T on the plus strand (T>A on the coding strand, the complement: CTSF is on the minus strand). VCF-style: chr11-66568272-A-T. GRCh37 (hg19) VCF-style: chr11-66335743-A-T.
Identifiers: ClinVar variation 3691050 (VCV003691050.2).

ClinVar aggregate classification (germline): Likely pathogenic (1 of 4 stars; one submission).

Conditions:
Neuronal ceroid lipofuscinosis 13 (CLN13). Also called: CLN13 Disease; CEROID LIPOFUSCINOSIS, NEURONAL, 13 (KUFS TYPE). Identifiers: Orphanet 352709, Orphanet 79262, MedGen C3715049, MONDO:0014147, OMIM 615362.

gnomAD v4.1: 1 of 1,502,634 alleles (0.000067%); highest among the groups gnomAD compares: Admixed American, 0.0021%; no homozygotes.

Submission:

Labcorp Genetics (formerly Invitae), Labcorp
Classification: Likely pathogenic for Neuronal ceroid lipofuscinosis 13. Last evaluated: 2025-04-03. Review status: criteria provided, single submitter. Criteria: Invitae Variant Classification Sherloc (09022015). Collection method: clinical testing. Allele origin: germline.
Comment: This sequence change affects a donor splice site in intron 1 of the CTSF gene. It is expected to disrupt RNA splicing. Variants that disrupt the donor or acceptor splice site typically lead to a loss of protein function (PMID: 16199547), and loss-of-function variants in CTSF are known to be pathogenic (PMID: 23297359, 25274848). The frequency data for this variant in the population databases is considered unreliable, as metrics indicate poor data quality at this position in the gnomAD database. This variant has not been reported in the literature in individuals affected with CTSF-related conditions. ClinVar contains an entry for this variant (Variation ID: 3691050). Algorithms developed to predict the effect of sequence changes on RNA splicing suggest that this variant may disrupt the consensus splice site. In summary, the currently available evidence indicates that the variant is pathogenic, but additional data are needed to prove that conclusively. Therefore, this variant has been classified as Likely Pathogenic.

Literature cited by the submitters: PubMed 16199547; PubMed 23297359; PubMed 25274848.